The following is an entry in ClinVar:

ClinVar aggregate classification (germline): Uncertain significance (1 of 4 stars; one submission).

Conditions:
Combined oxidative phosphorylation defect type 14. Also called: Combined oxidative phosphorylation deficiency 14. Identifiers: Orphanet 319519, MedGen C4755312, MONDO:0013986, OMIM 614946.

Allele frequency attached by ClinVar (database versions not stated): gnomAD 0.00003 and 0.00006; TOPMed 0.00005.
gnomAD v4.1: 6 of 1,613,704 alleles (0.00037%); highest among the groups gnomAD compares: African/African-American, 0.0067%; no homozygotes.

Submission:

Labcorp Genetics (formerly Invitae), Labcorp
Classification: Uncertain significance for Combined oxidative phosphorylation defect type 14. Last evaluated: 2022-10-17. Review status: criteria provided, single submitter. Criteria: Invitae Variant Classification Sherloc (09022015). Collection method: clinical testing. Allele origin: germline.
Comment: This sequence change replaces methionine, which is neutral and non-polar, with isoleucine, which is neutral and non-polar, at codon 294 of the FARS2 protein (p.Met294Ile). This variant is present in population databases (no rsID available, gnomAD 0.02%). This variant has not been reported in the literature in individuals affected with FARS2-related conditions. ClinVar contains an entry for this variant (Variation ID: 663691). Algorithms developed to predict the effect of missense changes on protein structure and function (SIFT, PolyPhen-2, Align-GVGD) all suggest that this variant is likely to be tolerated. In summary, the available evidence is currently insufficient to determine the role of this variant in disease. Therefore, it has been classified as a Variant of Uncertain Significance.

NM_006567.5(FARS2):c.882G>C (p.Met294Ile)

Gene: FARS2 (phenylalanyl-tRNA synthetase 2, mitochondrial; plus strand). Cytogenetic location: 6p25.1.
Variant type: single nucleotide variant.
Coding change: c.882G>C on transcript NM_006567.5 (MANE Select); coding-DNA position 882, G replaced by C.
Protein change: p.Met294Ile; replaces methionine 294 with isoleucine.
Molecular consequence: missense variant. On other transcripts: intron variant (1).
Genome position (GRCh38, 1-based): chr6:5,431,150, G>C. VCF-style: chr6-5431150-G-C. GRCh37 (hg19) VCF-style: chr6-5431383-G-C.
Other names: c.882G>C, p.Met294Ile (NM_001318872.2, NM_001374875.1, NM_001374876.1 and 4 more transcripts); c.186G>C, p.Met62Ile (NM_001375259.1, NM_001375260.1); c.772+26449G>C (NM_001375258.1); short protein forms M294I, M62I.
Identifiers: ClinVar variation 663691 (VCV000663691.4), dbSNP rs886256686, ClinGen allele CA134318111.